The following is an entry in ClinVar:

ClinVar aggregate classification (germline): Uncertain significance (1 of 4 stars; one submission).

Conditions:
Joubert syndrome. Also called: CEREBELLOPARENCHYMAL DISORDER IV; JOUBERT-BOLTSHAUSER SYNDROME; Familial aplasia of the vermis. Identifiers: Orphanet 475, MedGen C5979921, MONDO:0018772.

Allele frequency attached by ClinVar (database versions not stated): gnomAD exomes below 0.00001.
gnomAD v4.1: 4 of 1,613,096 alleles (0.00025%); highest among the groups gnomAD compares: Non-Finnish European, 0.00025%; no homozygotes.

Submission:

Labcorp Genetics (formerly Invitae), Labcorp
Classification: Uncertain significance for Joubert syndrome. Last evaluated: 2023-04-24. Review status: criteria provided, single submitter. Criteria: Invitae Variant Classification Sherloc (09022015). Collection method: clinical testing. Allele origin: germline.
Comment: In summary, the available evidence is currently insufficient to determine the role of this variant in disease. Therefore, it has been classified as a Variant of Uncertain Significance. Advanced modeling of protein sequence and biophysical properties (such as structural, functional, and spatial information, amino acid conservation, physicochemical variation, residue mobility, and thermodynamic stability) has been performed at Invitae for this missense variant, however the output from this modeling did not meet the statistical confidence thresholds required to predict the impact of this variant on INPP5E protein function. ClinVar contains an entry for this variant (Variation ID: 836059). This variant has not been reported in the literature in individuals affected with INPP5E-related conditions. This variant is not present in population databases (gnomAD no frequency). This sequence change replaces serine, which is neutral and polar, with glycine, which is neutral and non-polar, at codon 545 of the INPP5E protein (p.Ser545Gly).

NM_019892.6(INPP5E):c.1633A>G (p.Ser545Gly)

Gene: INPP5E (inositol polyphosphate-5-phosphatase E; minus strand). Cytogenetic location: 9q34.3.
Variant type: single nucleotide variant.
Coding change: c.1633A>G on transcript NM_019892.6 (MANE Select); coding-DNA position 1633, A replaced by G.
Protein change: p.Ser545Gly; replaces serine 545 with glycine.
Molecular consequence: missense variant.
Genome position (GRCh38, 1-based): chr9:136,431,034, T>C on the plus strand (A>G on the coding strand, the complement: INPP5E is on the minus strand). VCF-style: chr9-136431034-T-C. GRCh37 (hg19) VCF-style: chr9-139325486-T-C.
Other names: c.1630A>G, p.Ser544Gly (NM_001318502.2); short protein forms S544G, S545G.
Identifiers: ClinVar variation 836059 (VCV000836059.10), dbSNP rs1835687019, ClinGen allele CA375561607.